The following is an entry in ClinVar:

NM_000317.3(PTS):c.379C>T (p.Leu127Phe)

Gene: PTS (6-pyruvoyltetrahydropterin synthase; plus strand). Cytogenetic location: 11q23.1.
Variant type: single nucleotide variant.
Coding change: c.379C>T on transcript NM_000317.3 (MANE Select); coding-DNA position 379, C replaced by T.
Protein change: p.Leu127Phe; replaces leucine 127 with phenylalanine.
Molecular consequence: missense variant.
Genome position (GRCh38, 1-based): chr11:112,233,496, C>T. VCF-style: chr11-112233496-C-T. GRCh37 (hg19) VCF-style: chr11-112104219-C-T.
Other names: c.379C>T (NM_000317.2); short protein forms L127F.
Identifiers: ClinVar variation 1455604 (VCV001455604.12), dbSNP rs1859971515, ClinGen allele CA382628074.

ClinVar aggregate classification (germline): Pathogenic/Likely pathogenic. Review status: criteria provided, multiple submitters, no conflicts (2 of 4 stars). 5 submissions from 5 submitters: Pathogenic (4); Likely pathogenic (1). Last evaluated 2025-12-19.

Conditions:
6-Pyruvoyl-tetrahydrobiopterin synthase deficiency. Also called: 6-Pyruvoyltetrahydropterin Synthase Deficiency; Hyperphenylalanemia, BH4-deficient, A; Hyperphenylalaninemia due to 6-pyruvoyl-tetrahydropterin synthase deficiency; BH4-deficient hyperphenylalaninemia A; PTS DEFICIENCY; HYPERPHENYLALANINEMIA, TETRAHYDROBIOPTERIN-DEFICIENT, DUE TO PTS DEFICIENCY. Identifiers: Orphanet 13, Orphanet 238583, MedGen C0878676, MONDO:0009863, OMIM 261640.

Allele frequency attached by ClinVar (database versions not stated): TOPMed below 0.00001.

Submissions (5):

Labcorp Genetics (formerly Invitae), Labcorp
Classification: Pathogenic for 6-Pyruvoyl-tetrahydrobiopterin synthase deficiency. Last evaluated: 2025-12-19. Review status: criteria provided, single submitter. Criteria: Invitae Variant Classification Sherloc (09022015). Collection method: clinical testing. Allele origin: germline.
Comment: This sequence change replaces leucine, which is neutral and non-polar, with phenylalanine, which is neutral and non-polar, at codon 127 of the PTS protein (p.Leu127Phe). This variant is not present in population databases (gnomAD no frequency). This missense change has been observed in individual(s) with biopterin deficient hyperphenylalanemia (PMID: 18505119, 23138986, 29499199). ClinVar contains an entry for this variant (Variation ID: 1455604). An algorithm developed to predict the effect of missense changes on protein structure and function (PolyPhen-2) suggests that this variant is likely to be disruptive. For these reasons, this variant has been classified as Pathogenic.

Natera, Inc.
Classification: Likely pathogenic for 6-Pyruvoyl-tetrahydrobiopterin synthase deficiency. Last evaluated: 2025-11-13. Review status: criteria provided, single submitter. Criteria: Natera Variant Classification Schema (03/2026). Collection method: clinical testing. Allele origin: germline.
Comment: The c.379C>T variant in PTS is a missense variant predicted to cause substitution of leucine to phenylalanine at amino acid 127. This variant is rare in the general population with a frequency below the threshold expected for the associated phenotype(s). This variant has been observed in one or more individuals affected with the associated recessive disease, as either homozygous or compound heterozygous with a second variant (PMID: 36583021, 25456745, 23138986, 23138986, 16601879). Computational prediction algorithms indicate this variant is likely to affect gene or protein function. Given the available evidence, this variant is classified as Likely Pathogenic.

Baylor Genetics
Classification: Pathogenic for 6-Pyruvoyl-tetrahydrobiopterin synthase deficiency. Last evaluated: 2023-10-17. Review status: criteria provided, single submitter. Criteria: ACMG Guidelines, 2015. Collection method: clinical testing. Allele origin: unknown.

Women's Health and Genetics/Laboratory Corporation of America, LabCorp
Classification: Pathogenic for 6-Pyruvoyl-tetrahydrobiopterin synthase deficiency. Last evaluated: 2023-05-15. Review status: criteria provided, single submitter. Criteria: LabCorp Variant Classification Summary - May 2015. Collection method: clinical testing. Allele origin: germline.
Comment: Variant summary: PTS c.379C>T (p.Leu127Phe) results in a non-conservative amino acid change in the encoded protein sequence. Five of five in-silico tools predict a damaging effect of the variant on protein function. The variant was absent in 250752 control chromosomes (gnomAD). The available data on variant occurrences in the general population are insufficient to allow any conclusion about variant significance. c.379C>T has been reported in the literature in multiple compound heterozygous individuals affected with 6-Pyruvoyl-Tetrahydropterin Synthase Deficiency (e.g., Wang_2018, Wang_2006, Ye_2013, Han_2015). These data indicate that the variant is likely to be associated with disease. To our knowledge, no experimental evidence demonstrating an impact on protein function has been reported. However, a different missense affecting the same amino acid (p.L127V) has been reported in the literature in affected individual(s) (HGMD), indicating a functional importance for this residue. The following publications have been ascertained in the context of this evaluation (PMID: 25304915, 29499199, 16601879, 23138986). One clinical diagnostic laboratory has submitted clinical-significance assessments for this variant to ClinVar after 2014 and classified the variant as pathogenic. Based on the evidence outlined above, the variant was classified as pathogenic.

Juno Genomics, Hangzhou Juno Genomics, Inc
Classification: Pathogenic for 6-Pyruvoyl-tetrahydrobiopterin synthase deficiency. Review status: criteria provided, single submitter. Criteria: ACMG Guidelines, 2015. Collection method: clinical testing. Allele origin: germline.
Comment: Absent from controls (or at extremely low frequency if recessive) in Genome Aggregation Database.;Multiple lines of computational evidence support a deleterious effect on the gene or gene product.;For recessive disorders, detected in trans with a pathogenic variant.;Patient's phenotype or family history is highly specific for a disease with a single genetic etiology.

Literature cited by the submitters: PubMed 18505119 (cited by Labcorp Genetics (formerly Invitae), Labcorp); PubMed 23138986 (cited by 3 submitters); PubMed 29499199 (cited by Labcorp Genetics (formerly Invitae), Labcorp and Women's Health and Genetics/Laboratory Corporation of America, LabCorp); PubMed 36583021 (cited by Natera, Inc.); PubMed 25456745 (cited by Natera, Inc.); PubMed 16601879 (cited by Natera, Inc. and Women's Health and Genetics/Laboratory Corporation of America, LabCorp); PubMed 25304915 (cited by Women's Health and Genetics/Laboratory Corporation of America, LabCorp).